The following is an entry in ClinVar:

ClinVar aggregate classification (germline): Likely benign (1 of 4 stars; one submission).

Allele frequency attached by ClinVar (database versions not stated): ExAC 0.00009; 1000 Genomes Project 0.00200; 1000 Genomes Project 30x 0.00593.

Submission:

CeGaT Center for Human Genetics Tuebingen
Classification: Likely benign. Last evaluated: 2023-03-01. Review status: criteria provided, single submitter. Criteria: CeGaT Center For Human Genetics Tuebingen Variant Classification Criteria Version 2. Collection method: clinical testing. Allele origin: germline. Affected: yes. Observed: 1 variant allele.
Comment: AHNAK2: BP4, BP7

NM_138420.4(AHNAK2):c.7020A>G (p.Ser2340=)

Gene: AHNAK2 (AHNAK nucleoprotein 2; minus strand). Cytogenetic location: 14q32.33.
Variant type: single nucleotide variant.
Coding change: c.7020A>G on transcript NM_138420.4 (MANE Select); coding-DNA position 7020, A replaced by G.
Protein change: p.Ser2340=; no amino-acid change (serine 2340 retained).
Molecular consequence: synonymous variant.
Genome position (GRCh38, 1-based): chr14:104,948,431, T>C on the plus strand (A>G on the coding strand, the complement: AHNAK2 is on the minus strand). VCF-style: chr14-104948431-T-C. GRCh37 (hg19) VCF-style: chr14-105414768-T-C.
Other names: c.6720A>G, p.Ser2240= (NM_001350929.2).
Identifiers: ClinVar variation 2644730 (VCV002644730.24), dbSNP rs573759869, ClinGen allele CA7380811.
Genomic context (GRCh38, chr14:104,948,431, plus strand): 5'-GTCCCCCTGCATGGAGGGGAGGCTCACGTCGGCCTCCACCTTCAACGCAGACACATCCGC[T>C]GAGGCCTCGATGGACTTGCCAAGGGCAGACACCCCAAACGACAGCATCTTGAACTTGGGC-3'
Protein context (NP_612429.2, residues 2330-2350): VSALGKSIEA[Ser2340=]ADVSALKVEA